The following is an entry in ClinVar:

ClinVar aggregate classification (germline): Likely pathogenic (1 of 4 stars; one submission).

gnomAD v4.1: 2 of 1,613,984 alleles (0.00012%); highest among the groups gnomAD compares: Non-Finnish European, 0.000085%; no homozygotes.

Submission:

CeGaT Center for Human Genetics Tuebingen
Classification: Likely pathogenic. Last evaluated: 2025-10-01. Review status: criteria provided, single submitter. Criteria: CeGaT Center For Human Genetics Tuebingen Variant Classification Criteria Version 2. Collection method: clinical testing. Allele origin: germline. Affected: yes. Observed: 3 variant alleles.
Comment: TTN: PVS1:Strong, PM2, PS4:Supporting

NM_001267550.2(TTN):c.104254C>T (p.Gln34752Ter)

Genes: TTN (titin; minus strand), TTN-AS1 (TTN antisense RNA 1; plus strand). Cytogenetic location: 2q31.2.
Variant type: single nucleotide variant.
Coding change: c.104254C>T on transcript NM_001267550.2 (MANE Select); coding-DNA position 104254, C replaced by T.
Protein change: p.Gln34752Ter; replaces glutamine 34752 with a stop codon.
Molecular consequence: nonsense.
Genome position (GRCh38, 1-based): chr2:178,532,361, G>A on the plus strand (C>T on the coding strand, the complement: TTN is on the minus strand). VCF-style: chr2-178532361-G-A. GRCh37 (hg19) VCF-style: chr2-179397088-G-A.
Other names: c.99331C>T, p.Gln33111Ter (NM_001256850.1); c.77059C>T, p.Gln25687Ter (NM_003319.4); c.96550C>T, p.Gln32184Ter (NM_133378.4); c.77434C>T, p.Gln25812Ter (NM_133432.3); c.77635C>T, p.Gln25879Ter (NM_133437.4); short protein forms Q25687*, Q25812*, Q25879*, Q32184*, Q33111*, Q34752*.
Identifiers: ClinVar variation 4085005 (VCV004085005.8).
Genomic context (GRCh38, chr2:178,532,361, plus strand): 5'-CTTCATCCTCCCTCTCAGCCATGATTCTTTGCCGTTGCTTTGGCTGTCTGTACGCAGCCT[G>A]GGCATGCCGTTCCCTCAGTTCTGCATAACTTGTACTAGCTTCAGCCTTCGTTGGGATGTG-3'